The following is an entry in ClinVar:

ClinVar aggregate classification (germline): Uncertain significance (1 of 4 stars; one submission).

Conditions:
Hereditary cancer-predisposing syndrome. Also called: Tumor predisposition; Hereditary neoplastic syndrome; Neoplastic Syndromes, Hereditary; Hereditary Cancer Syndrome. Identifiers: Orphanet 140162, MedGen C0027672, MeSH D009386, MONDO:0015356.

Submission:

Labcorp Genetics (formerly Invitae), Labcorp
Classification: Uncertain significance for Hereditary cancer-predisposing syndrome. Last evaluated: 2019-09-05. Review status: criteria provided, single submitter. Criteria: Invitae Variant Classification Sherloc (09022015). Collection method: clinical testing. Allele origin: germline.
Comment: Algorithms developed to predict the effect of missense changes on protein structure and function are either unavailable or do not agree on the potential impact of this missense change (SIFT: "Tolerated"; PolyPhen-2: "Possibly Damaging"; Align-GVGD: "Class C0"). In summary, the available evidence is currently insufficient to determine the role of this variant in disease. Therefore, it has been classified as a Variant of Uncertain Significance. This sequence change replaces glutamine with lysine at codon 636 of the RAD50 protein (p.Gln636Lys). The glutamine residue is moderately conserved and there is a small physicochemical difference between glutamine and lysine. This variant is not present in population databases (ExAC no frequency). This variant has not been reported in the literature in individuals with RAD50-related conditions.

NM_005732.4(RAD50):c.1906C>A (p.Gln636Lys)

Gene: RAD50 (RAD50 double strand break repair protein; plus strand). Cytogenetic location: 5q31.1.
Variant type: single nucleotide variant.
Coding change: c.1906C>A on transcript NM_005732.4 (MANE Select); coding-DNA position 1906, C replaced by A.
Protein change: p.Gln636Lys; replaces glutamine 636 with lysine.
Molecular consequence: missense variant.
Genome position (GRCh38, 1-based): chr5:132,594,981, C>A. VCF-style: chr5-132594981-C-A. GRCh37 (hg19) VCF-style: chr5-131930673-C-A.
Other names: short protein forms Q636K.
Identifiers: ClinVar variation 960533 (VCV000960533.10), dbSNP rs1750764128, ClinGen allele CA360948115.